The following is an entry in ClinVar:

NM_022552.5(DNMT3A):c.340dup (p.Ala114fs)

Gene: DNMT3A (DNA methyltransferase 3 alpha; minus strand). Cytogenetic location: 2p23.3.
Variant type: Duplication.
Coding change: c.340dup on transcript NM_022552.5 (MANE Select); coding-DNA position 340, one base duplicated (G; older notation c.340dupG).
Protein change: p.Ala114fs; shifts the reading frame from alanine 114.
Molecular consequence: frameshift variant. On other transcripts: non-coding transcript variant (1).
Genome position (GRCh38, 1-based): chr2:25,282,549, C duplicated on the plus strand (G on the coding strand, the reverse complement: DNMT3A is on the minus strand); the first of 4 consecutive C bases (chr2:25,282,549-25,282,552); duplicating any one gives the same sequence. VCF-style (leftmost placement, unchanged base first): chr2-25282548-G-GC. GRCh37 (hg19) VCF-style: chr2-25505417-G-GC.
Other names: c.340dup, p.Ala114fs (NM_001320892.2, NM_175629.2, NM_175630.1); c.340dupG (NM_175629.2); short protein forms A114fs.
Identifiers: ClinVar variation 423491 (VCV000423491.2), dbSNP rs1553423604, ClinGen allele CA16617518.

ClinVar aggregate classification (germline): Pathogenic (1 of 4 stars; one submission).

Submission:

GeneDx
Classification: Pathogenic. Last evaluated: 2017-02-07. Review status: criteria provided, single submitter. Criteria: GeneDx Variant Classification (06012015). Collection method: clinical testing. Allele origin: germline. Affected: yes.
Comment: The c.340dupG pathogenic variant in the DNMT3A gene causes a frameshift starting with codon Alanine 114, changes this amino acid to a Glycine residue and creates a premature Stop codon at position 10 of the new reading frame, denoted p.Ala114GlyfsX10. This variant is predicted to cause loss of normal protein function either through protein truncation or nonsense-mediated mRNA decay. It is not observed in large population cohorts (Lek et al., 2016; 1000 Genomes Consortium et al., 2015; Exome Variant Server).